The following is an entry in ClinVar:

NM_000135.4(FANCA):c.331_334dup (p.Leu112fs)

Gene: FANCA (FA complementation group A; minus strand). Cytogenetic location: 16q24.3.
Variant type: Duplication.
Coding change: c.331_334dup on transcript NM_000135.4 (MANE Select); coding-DNA positions 331 to 334, 4 bases duplicated (ATTC; older notation c.331_334dupATTC).
Protein change: p.Leu112fs; shifts the reading frame from leucine 112.
Molecular consequence: frameshift variant.
Genome position (GRCh38, 1-based): chr16:89,811,021-89,811,024, GAAT duplicated on the plus strand (ATTC on the coding strand, the reverse complement: FANCA is on the minus strand). VCF-style (leftmost placement, unchanged base first): chr16-89811020-A-AGAAT. GRCh37 (hg19) VCF-style: chr16-89877428-A-AGAAT.
Other names: c.331_334dup, p.Leu112fs (NM_001018112.3, NM_001286167.3, NM_001351830.2); short protein forms L112fs.
Identifiers: ClinVar variation 974095 (VCV000974095.1), dbSNP rs2040859131, ClinGen allele CA1139664990.

ClinVar aggregate classification (germline): Pathogenic (0 of 4 stars; one submission).

Conditions:
Fanconi anemia complementation group A (FANCA). Also called: Fanconi anemia, group A; FANCA-Related Fanconi Anemia. Identifiers: Orphanet 84, MedGen C3469521, MONDO:0009215, OMIM 227650.

Submission:

Leiden Open Variation Database
Classification: Pathogenic for Fanconi anemia complementation group A. Last evaluated: 2020-02-28. Review status: no assertion criteria provided. Collection method: curation. Allele origin: germline. Affected: yes.
Comment: Curator: Arleen D. Auerbach. Submitter to LOVD: Johan de Winter.

Literature cited by the submitters: PubMed 22778927.